The following is an entry in ClinVar:

NM_001010874.5(TECRL):c.235-1G>A

Gene: TECRL (trans-2,3-enoyl-CoA reductase like; minus strand). Cytogenetic location: 4q13.1.
Variant type: single nucleotide variant.
Coding change: c.235-1G>A on transcript NM_001010874.5 (MANE Select); the canonical splice acceptor site of the intron before coding-DNA position 235, G replaced by A.
Molecular consequence: splice acceptor variant.
Genome position (GRCh38, 1-based): chr4:64,375,224, C>T on the plus strand (G>A on the coding strand, the complement: TECRL is on the minus strand). VCF-style: chr4-64375224-C-T. GRCh37 (hg19) VCF-style: chr4-65240942-C-T.
Other names: c.235-1G>A (NM_001363796.1).
Identifiers: ClinVar variation 5030605 (VCV005030605.1).
Genomic context (GRCh38, chr4:64,375,224, plus strand): 5'-AAACTTACATGCTTTGTGAAACTTTTGCTTAACATCATGAATAGTAGATGATTGTGTCAC[C>T]TGAAAAGGAAAAGAAAATAGAGTTATTTTTAAAAACTGTTAATTTGTTTTCTATCCATTT-3'

ClinVar aggregate classification (germline): Likely pathogenic (1 of 4 stars; one submission).

Conditions:
Cardiovascular phenotype. Identifiers: MedGen CN230736.

gnomAD v4.1: 1 of 1,394,408 alleles (0.000072%); highest among the groups gnomAD compares: East Asian, 0.0029%; no homozygotes.

Submission:

Ambry Genetics
Classification: Likely pathogenic for Cardiovascular phenotype. Last evaluated: 2026-08-14. Review status: criteria provided, single submitter. Criteria: Ambry Variant Classification Scheme 2023. Collection method: clinical testing. Allele origin: germline.
Comment: The c.235-1G>A intronic variant results from a G to A substitution one nucleotide before coding exon 2 of the TECRL gene. This variant is considered to be rare based on population cohorts in the Genome Aggregation Database (gnomAD). This nucleotide position is highly conserved in available vertebrate species. In silico splice site analysis predicts that this alteration will weaken the native splice acceptor site and will result in the creation or strengthening of a novel splice acceptor site. Variants that disrupt the canonical splice site are expected to cause aberrant splicing, resulting in an abnormal protein or a transcript that is subject to nonsense-mediated mRNA decay. As such, this variant is classified as likely pathogenic.